The following is an entry in ClinVar:

NM_015047.3(EMC1):c.1422C>T (p.Gly474=)

Genes: EMC1 (ER membrane protein complex subunit 1; minus strand), EMC1-AS1 (EMC1 antisense RNA 1; plus strand). Cytogenetic location: 1p36.13.
Variant type: single nucleotide variant.
Coding change: c.1422C>T on transcript NM_015047.3 (MANE Select); coding-DNA position 1422, C replaced by T.
Protein change: p.Gly474=; no amino-acid change (glycine 474 retained).
Molecular consequence: synonymous variant.
Genome position (GRCh38, 1-based): chr1:19,235,140, G>A on the plus strand (C>T on the coding strand, the complement: EMC1 is on the minus strand). VCF-style: chr1-19235140-G-A. GRCh37 (hg19) VCF-style: chr1-19561634-G-A.
Other names: c.1419C>T, p.Gly473= (NM_001271427.2, NM_001271428.2, NM_001375821.1); c.1356C>T, p.Gly452= (NM_001271429.2); c.1422C>T, p.Gly474= (NM_001375820.1).
Identifiers: ClinVar variation 1486421 (VCV001486421.6), dbSNP rs1277922509, ClinGen allele CA416429537.

ClinVar aggregate classification (germline): Uncertain significance (1 of 4 stars; one submission).

Allele frequency attached by ClinVar (database versions not stated): gnomAD 0.00001; gnomAD exomes 0.00002; TOPMed 0.00002.
gnomAD v4.1: 51 of 1,611,410 alleles (0.0032%); highest among the groups gnomAD compares: Non-Finnish European, 0.0042%; no homozygotes.

Submission:

Labcorp Genetics (formerly Invitae), Labcorp
Classification: Uncertain significance. Last evaluated: 2025-10-29. Review status: criteria provided, single submitter. Criteria: Invitae Variant Classification Sherloc (09022015). Collection method: clinical testing. Allele origin: germline.
Comment: This sequence change replaces glycine, which is neutral and non-polar, with glycine, which is neutral and non-polar, at codon 474 of the EMC1 protein (Silent). This variant is present in population databases (no rsID available, gnomAD 0.005%). This variant has not been reported in the literature in individuals affected with EMC1-related conditions. ClinVar contains an entry for this variant (Variation ID: 1486421). Algorithms developed to predict the effect of sequence changes on RNA splicing suggest that this variant is not likely to affect RNA splicing. In summary, the available evidence is currently insufficient to determine the role of this variant in disease. Therefore, it has been classified as a Variant of Uncertain Significance.